The following is an entry in ClinVar:

NM_025233.7(COASY):c.1194A>G (p.Pro398=)

Gene: COASY (Coenzyme A synthase; plus strand). Cytogenetic location: 17q21.2.
Variant type: single nucleotide variant.
Coding change: c.1194A>G on transcript NM_025233.7 (MANE Select); coding-DNA position 1194, A replaced by G.
Protein change: p.Pro398=; no amino-acid change (proline 398 retained).
Molecular consequence: synonymous variant.
Genome position (GRCh38, 1-based): chr17:42,564,855, A>G. VCF-style: chr17-42564855-A-G. GRCh37 (hg19) VCF-style: chr17-40716873-A-G.
Other names: c.1194A>G, p.Pro398= (NM_001042529.3); c.1281A>G, p.Pro427= (NM_001042532.4).
Identifiers: ClinVar variation 2647792 (VCV002647792.24), dbSNP rs766063561, ClinGen allele CA8578218.

ClinVar aggregate classification (germline): Likely benign (1 of 4 stars; one submission).

Allele frequency attached by ClinVar (database versions not stated): gnomAD 0.00001; gnomAD exomes 0.00001; TOPMed 0.00001; ExAC 0.00003.
gnomAD v4.1: 10 of 1,590,336 alleles (0.00063%); highest among the groups gnomAD compares: East Asian, 0.022%; no homozygotes.

Submission:

CeGaT Center for Human Genetics Tuebingen
Classification: Likely benign. Last evaluated: 2022-08-01. Review status: criteria provided, single submitter. Criteria: CeGaT Center For Human Genetics Tuebingen Variant Classification Criteria Version 2. Collection method: clinical testing. Allele origin: germline. Affected: yes. Observed: 1 variant allele.
Comment: COASY: BP4, BP7